The following is an entry in ClinVar:

NC_000017.11:g.(?_4898726)_(5024161_?)dup

Genes: C17orf107 (chromosome 17 open reading frame 107; plus strand), CAMTA2 (calmodulin binding transcription activator 2; minus strand), CHRNE (cholinergic receptor nicotinic epsilon subunit; minus strand), ENO3 (enolase 3; plus strand), GP1BA (glycoprotein Ib platelet subunit alpha; plus strand) and 6 more. Cytogenetic location: 17p13.2.
Variant type: Duplication.
Identifiers: ClinVar variation 831955 (VCV000831955.4).

ClinVar aggregate classification (germline): Uncertain significance. Review status: criteria provided, single submitter (1 of 4 stars). 2 submissions from 1 submitter: Uncertain significance (2). Last evaluated 2020-06-30.

Conditions:
Spastic ataxia 2. Also called: Ataxia, spastic, 2, autosomal recessive. Identifiers: Orphanet 397946, MedGen C1969796, MONDO:0012651, OMIM 611302.
Congenital myasthenic syndrome 4A. Also called: Myasthenic syndrome, congenital, 4a, slow-channel; CONGENITAL MYASTHENIC SYNDROME TYPE Ia1; MYASTHENIC SYNDROME, CONGENITAL, 4A, SLOW-CHANNEL, AUTOSOMAL RECESSIVE. Identifiers: Orphanet 590, MedGen C4225413, MONDO:0011600, OMIM 605809.

Submissions (2):

Labcorp Genetics (formerly Invitae), Labcorp
Classification: Uncertain significance for Congenital myasthenic syndrome 4A. Last evaluated: 2020-06-30. Review status: criteria provided, single submitter. Criteria: Invitae Variant Classification Sherloc (09022015). Collection method: clinical testing. Allele origin: germline.
Comment: This variant results in a copy number gain of the genomic region encompassing the full coding sequence of the CHRNE gene. The boundaries of this event are unknown as they extend beyond the assayed region for this gene and therefore may encompass additional genes. As the precise location of this event is unknown, it may be in tandem or it may be located elsewhere in the genome. This variant has not been reported in the literature in individuals with CHRNE-related disease. In summary, the available evidence is currently insufficient to determine the role of this variant in disease. Therefore, it has been classified as a Variant of Uncertain Significance.

Labcorp Genetics (formerly Invitae), Labcorp
Classification: Uncertain significance for Ataxia, spastic, 2, autosomal recessive. Last evaluated: 2019-10-30. Review status: criteria provided, single submitter. Criteria: Invitae Variant Classification Sherloc (09022015). Collection method: clinical testing. Allele origin: germline.
Comment: This variant results in a copy number gain of the genomic region encompassing the full coding sequence of the KIF1C gene. The boundaries of this event are unknown as they extend beyond the assayed region for this gene and therefore may encompass additional genes. As the precise location of this event is unknown, it may be in tandem or it may be located elsewhere in the genome. This variant has not been reported in the literature in individuals with KIF1C-related conditions. In summary, the available evidence is currently insufficient to determine the role of this variant in disease. Therefore, it has been classified as a Variant of Uncertain Significance.